The following is an entry in ClinVar:

NM_015631.6(TCTN3):c.1591G>T (p.Asp531Tyr)

Gene: TCTN3 (tectonic family member 3; minus strand). Cytogenetic location: 10q24.1.
Variant type: single nucleotide variant.
Coding change: c.1591G>T on transcript NM_015631.6 (MANE Select); coding-DNA position 1591, G replaced by T.
Protein change: p.Asp531Tyr; replaces aspartic acid 531 with tyrosine.
Molecular consequence: missense variant.
Genome position (GRCh38, 1-based): chr10:95,664,300, C>A on the plus strand (G>T on the coding strand, the complement: TCTN3 is on the minus strand). VCF-style: chr10-95664300-C-A. GRCh37 (hg19) VCF-style: chr10-97424057-C-A.
Other names: c.1147G>T, p.Asp383Tyr (NM_001143973.2); short protein forms D383Y, D531Y.
Identifiers: ClinVar variation 1402702 (VCV001402702.6), dbSNP rs143735885, ClinGen allele CA377699543.

ClinVar aggregate classification (germline): Uncertain significance (1 of 4 stars; one submission).

Conditions:
Joubert syndrome 18 (JBTS18). Identifiers: Orphanet 2754, MedGen C3553758, MONDO:0013896, OMIM 614815.
Orofacial-digital syndrome IV (OFD4). Also called: BARAITSER-BURN SYNDROME; MOHR-MAJEWSKI SYNDROME; OFD SYNDROME WITH TIBIAL DEFECTS; OFD SYNDROME, BARAITSER-BURN TYPE; OFDS IV; ORAL-FACIAL-DIGITAL SYNDROME, TYPE IV. Identifiers: Orphanet 2753, MedGen C0406727, MONDO:0009794, OMIM 258860.

gnomAD v4.1: 2 of 1,613,660 alleles (0.00012%); highest among the groups gnomAD compares: Non-Finnish European, 0.00017%; no homozygotes.

Submission:

Labcorp Genetics (formerly Invitae), Labcorp
Classification: Uncertain significance for Joubert syndrome 18; Orofacial-digital syndrome IV. Last evaluated: 2022-09-13. Review status: criteria provided, single submitter. Criteria: Invitae Variant Classification Sherloc (09022015). Collection method: clinical testing. Allele origin: germline.
Comment: In summary, the available evidence is currently insufficient to determine the role of this variant in disease. Therefore, it has been classified as a Variant of Uncertain Significance. Algorithms developed to predict the effect of sequence changes on RNA splicing suggest that this variant may disrupt the consensus splice site. Algorithms developed to predict the effect of missense changes on protein structure and function are either unavailable or do not agree on the potential impact of this missense change (SIFT: "Deleterious"; PolyPhen-2: "Benign"; Align-GVGD: "Class C15"). ClinVar contains an entry for this variant (Variation ID: 1402702). This variant has not been reported in the literature in individuals affected with TCTN3-related conditions. This variant is present in population databases (no rsID available, gnomAD 0.0009%). This sequence change replaces aspartic acid, which is acidic and polar, with tyrosine, which is neutral and polar, at codon 531 of the TCTN3 protein (p.Asp531Tyr).